The following is an entry in ClinVar:

NM_000540.3(RYR1):c.13402C>T (p.Pro4468Ser)

Gene: RYR1 (ryanodine receptor 1; plus strand). Cytogenetic location: 19q13.2.
Variant type: single nucleotide variant.
Coding change: c.13402C>T on transcript NM_000540.3 (MANE Select); coding-DNA position 13402, C replaced by T.
Protein change: p.Pro4468Ser; replaces proline 4468 with serine.
Molecular consequence: missense variant.
Genome position (GRCh38, 1-based): chr19:38,565,736, C>T. VCF-style: chr19-38565736-C-T. GRCh37 (hg19) VCF-style: chr19-39056376-C-T.
Other names: c.13387C>T, p.Pro4463Ser (NM_001042723.2); short protein forms P4463S, P4468S.
Identifiers: ClinVar variation 3385595 (VCV003385595.1).
Genomic context (GRCh38, chr19:38,565,736, plus strand): 5'-CCCGAAGGGGCTGGCGGTCTCGGGGACATGGGGGACACGACGCCTGCGGAACCGCCCACA[C>T]CCGAGGGCTCTCCCATCCTCAAGAGGAAATTGGGGGTGAGAGAGCAGGCGGGGTTTTGGG-3'
Protein context (NP_000531.2, residues 4458-4478): GDTTPAEPPT[Pro4468Ser]EGSPILKRKL

ClinVar aggregate classification (germline): Uncertain significance (1 of 4 stars; one submission).

Conditions:
Malignant hyperthermia, susceptibility to, 1 (MHS1). Also called: Anesthesia related hyperthermia; Malignant hyperpyrexia; Fulminating hyperpyrexia; Pharmacogenic myopathy; Malignant hyperthermia suceptibility 1; RYR1-Related Malignant Hyperthermia Susceptibility. Identifiers: Orphanet 423, MedGen C2930980, MONDO:0007783, OMIM 145600.

Submission:

All of Us Research Program, National Institutes of Health
Classification: Uncertain significance for Malignant hyperthermia, susceptibility to, 1. Last evaluated: 2024-02-22. Review status: criteria provided, single submitter. Criteria: ACMG Guidelines, 2015. Collection method: clinical testing. Allele origin: germline. Inheritance: Autosomal dominant inheritance. Observed: 1 variant allele, 1 heterozygote.
Comment: This missense variant replaces proline with serine at codon 4468 of the RYR1 protein. Computational prediction suggests that this variant may not impact protein structure and function (internally defined REVEL score threshold <= 0.5, PMID: 27666373). To our knowledge, functional studies have not been reported for this variant. This variant has not been reported in individuals affected with RYR1-related disorders in the literature. This variant has not been identified in the general population by the Genome Aggregation Database (gnomAD). The available evidence is insufficient to determine the role of this variant in disease conclusively. Therefore, this variant is classified as a Variant of Uncertain Significance.

This study involves interpretation of variants in research participants for the purpose of population health screening. Participant phenotype was not available at the time of variant classification. Additional details can be found in publication PMID: 35346344, PMCID: PMC8962531